The following is an entry in ClinVar:

ClinVar aggregate classification (germline): Likely benign (1 of 4 stars; one submission).

Allele frequency attached by ClinVar (database versions not stated): gnomAD 0.00001; gnomAD exomes 0.00002.
gnomAD v4.1: 28 of 1,517,336 alleles (0.0018%); highest among the groups gnomAD compares: Non-Finnish European, 0.0023%; no homozygotes.

Submission:

CeGaT Center for Human Genetics Tuebingen
Classification: Likely benign. Last evaluated: 2022-04-01. Review status: criteria provided, single submitter. Criteria: CeGaT Center For Human Genetics Tuebingen Variant Classification Criteria Version 2. Collection method: clinical testing. Allele origin: germline. Affected: yes. Observed: 1 variant allele.
Comment: ARHGEF19: BP4, BP7

NM_153213.5(ARHGEF19):c.1080C>T (p.Asp360=)

Genes: ARHGEF19 (Rho guanine nucleotide exchange factor 19; minus strand), LOC129929521 (ATAC-STARR-seq lymphoblastoid silent region 326; plus strand). Cytogenetic location: 1p36.13.
Variant type: single nucleotide variant.
Coding change: c.1080C>T on transcript NM_153213.5 (MANE Select); coding-DNA position 1080, C replaced by T.
Protein change: p.Asp360=; no amino-acid change (aspartic acid 360 retained).
Molecular consequence: synonymous variant.
Genome position (GRCh38, 1-based): chr1:16,207,005, G>A on the plus strand (C>T on the coding strand, the complement: ARHGEF19 is on the minus strand). VCF-style: chr1-16207005-G-A. GRCh37 (hg19) VCF-style: chr1-16533500-G-A.
Identifiers: ClinVar variation 2638360 (VCV002638360.24), dbSNP rs1293308628, ClinGen allele CA416386575.